The following is an entry in ClinVar:

ClinVar aggregate classification (germline): Uncertain significance (1 of 4 stars; one submission).

Conditions:
Hereditary spastic paraplegia 11. Also called: SPASTIC PARAPLEGIA, AUTOSOMAL RECESSIVE, COMPLICATED, WITH THIN CORPUS CALLOSUM; SPASTIC PARAPLEGIA, AUTOSOMAL RECESSIVE, WITH MENTAL IMPAIRMENT AND THIN CORPUS CALLOSUM; Spastic paraplegia, mental retardation and thin corpus callosum; Nakamura Osame syndrome; Autosomal recessive hereditary spastic paraplegia, mental impairment, and thin corpus callosum; Spastic Paraplegia 11. Identifiers: Orphanet 2822, MedGen C1858479, MONDO:0011445, OMIM 604360.

Allele frequency attached by ClinVar (database versions not stated): gnomAD exomes below 0.00001; TOPMed 0.00001.
gnomAD v4.1: 3 of 1,613,562 alleles (0.00019%); highest among the groups gnomAD compares: Non-Finnish European, 0.00025%; no homozygotes.

Submission:

Labcorp Genetics (formerly Invitae), Labcorp
Classification: Uncertain significance for Hereditary spastic paraplegia 11. Last evaluated: 2022-05-22. Review status: criteria provided, single submitter. Criteria: Invitae Variant Classification Sherloc (09022015). Collection method: clinical testing. Allele origin: germline.
Comment: This sequence change replaces aspartic acid, which is acidic and polar, with glutamic acid, which is acidic and polar, at codon 663 of the SPG11 protein (p.Asp663Glu). This variant is not present in population databases (gnomAD no frequency). This variant has not been reported in the literature in individuals affected with SPG11-related conditions. ClinVar contains an entry for this variant (Variation ID: 855287). Algorithms developed to predict the effect of missense changes on protein structure and function output the following: SIFT: "Tolerated"; PolyPhen-2: "Probably Damaging"; Align-GVGD: "Class C0". The glutamic acid amino acid residue is found in multiple mammalian species, which suggests that this missense change does not adversely affect protein function. In summary, the available evidence is currently insufficient to determine the role of this variant in disease. Therefore, it has been classified as a Variant of Uncertain Significance.

NM_025137.4(SPG11):c.1989T>A (p.Asp663Glu)

Gene: SPG11 (SPG11 vesicle trafficking associated, spatacsin; minus strand). Cytogenetic location: 15q21.1.
Variant type: single nucleotide variant.
Coding change: c.1989T>A on transcript NM_025137.4 (MANE Select); coding-DNA position 1989, T replaced by A.
Protein change: p.Asp663Glu; replaces aspartic acid 663 with glutamic acid.
Molecular consequence: missense variant.
Genome position (GRCh38, 1-based): chr15:44,628,747, A>T on the plus strand (T>A on the coding strand, the complement: SPG11 is on the minus strand). VCF-style: chr15-44628747-A-T. GRCh37 (hg19) VCF-style: chr15-44920945-A-T.
Other names: c.1989T>A, p.Asp663Glu (NM_001160227.2); short protein forms D663E.
Identifiers: ClinVar variation 855287 (VCV000855287.7), dbSNP rs1321387321, ClinGen allele CA392234226.
Genomic context (GRCh38, chr15:44,628,747, plus strand): 5'-CCATATATTGCTCTCCTTTACTTTGGGGACATTTTCATGTACATCATATTCATCTATAGC[A>T]TCTGTTAGCTTCCAAGGAAACTTTATCATGAAGGTTCGAAGTTCATTAATGTAGCTAGTC-3'
Protein context (NP_079413.3, residues 653-673): FMIKFPWKLT[Asp663Glu]AIDEYDVHEN